The following is an entry in ClinVar:

NM_017895.8(DDX27):c.2271T>G (p.Ser757=)

Gene: DDX27 (DEAD-box helicase 27; plus strand). Cytogenetic location: 20q13.13.
Variant type: single nucleotide variant.
Coding change: c.2271T>G on transcript NM_017895.8 (MANE Select); coding-DNA position 2271, T replaced by G.
Protein change: p.Ser757=; no amino-acid change (serine 757 retained).
Molecular consequence: synonymous variant.
Genome position (GRCh38, 1-based): chr20:49,243,695, T>G. VCF-style: chr20-49243695-T-G. GRCh37 (hg19) VCF-style: chr20-47860232-T-G.
Other names: c.2364T>G, p.Ser788= (NM_001348187.2).
Identifiers: ClinVar variation 5038494 (VCV005038494.1).
Genomic context (GRCh38, chr20:49,243,695, plus strand): 5'-CTTTGAAGAAAGGAAACAGTTGGGCTTGCCCCACCAGAGACGAGGAGGAAACTTTAAATC[T>G]AAATCCAGGTGATACTGGCTGTTTTGGAGGGGCATAGGTTTTGGGATTAGAGATAAAAAC-3'
Protein context (NP_060365.8, residues 747-765): PHQRRGGNFK[Ser757=]KSRYKRRK

ClinVar aggregate classification (germline): Likely benign (1 of 4 stars; one submission).

Submission:

CeGaT Center for Human Genetics Tuebingen
Classification: Likely benign. Last evaluated: 2026-08-01. Review status: criteria provided, single submitter. Criteria: CeGaT Center For Human Genetics Tuebingen Variant Classification Criteria Version 2. Collection method: clinical testing. Allele origin: germline. Affected: yes. Observed: 1 variant allele.
Comment: DDX27: BP4, BP7